The following is an entry in ClinVar:

ClinVar aggregate classification (germline): Conflicting classifications of pathogenicity. Review status: criteria provided, conflicting classifications (1 of 4 stars). 14 submissions from 14 submitters: Uncertain significance (11); Likely benign (1). 2 of the submissions do not count toward it. Last evaluated 2026-07-30.

Conditions:
Hereditary cancer. Identifiers: MedGen C1333600.
Hereditary cancer-predisposing syndrome. Also called: Hereditary neoplastic syndrome; Neoplastic Syndromes, Hereditary; Hereditary Cancer Syndrome; Tumor predisposition. Identifiers: Orphanet 140162, MedGen C0027672, MeSH D009386, MONDO:0015356.
Hereditary breast ovarian cancer syndrome. Also called: Hereditary breast and/or ovarian cancer syndrome; Breast and ovarian cancer; BRCA1- and BRCA2-Associated Hereditary Breast and Ovarian Cancer; Hereditary breast and ovarian cancer syndrome (HBOC); Hereditary breast and ovarian cancer syndrome; Hereditary breast and ovarian cancer. Identifiers: Orphanet 145, MedGen C0677776, MeSH D061325, MONDO:0003582. Disease mechanism: loss of function.
Breast-ovarian cancer, familial, susceptibility to, 2 (BROVCA2). Also called: BRCA2 Hereditary Breast and Ovarian Cancer. Identifiers: Orphanet 145, MedGen C2675520, MONDO:0012933, OMIM 612555. Disease mechanism: loss of function.
Familial cancer of breast. Also called: Hereditary breast cancer; hereditary breast carcinoma; BREAST CANCER, FAMILIAL. Identifiers: Orphanet 227535, MedGen C0346153, MONDO:0016419, OMIM 114480. Disease mechanism: loss of function.

Allele frequency attached by ClinVar (database versions not stated): gnomAD exomes below 0.00001; TOPMed 0.00001.
gnomAD v4.1: 5 of 1,606,008 alleles (0.00031%); highest among the groups gnomAD compares: Non-Finnish European, 0.00043%; no homozygotes.

Submissions 1 to 8 of 14:

Myriad Genetics, Inc.
Classification: Likely benign for Breast-ovarian cancer, familial, susceptibility to, 2. Last evaluated: 2026-07-30. Review status: criteria provided, single submitter. Criteria: Myriad Autosomal Dominant, Autosomal Recessive and X-Linked Classification Criteria (2023). Collection method: clinical testing. Allele origin: unknown.
Comment: This variant is considered likely benign. This variant is strongly associated with less severe personal and family histories of cancer, typical for individuals without pathogenic variants in this gene [PMID: 25085752].

Labcorp Genetics (formerly Invitae), Labcorp
Classification: Uncertain significance for Hereditary breast ovarian cancer syndrome. Last evaluated: 2026-01-21. Review status: criteria provided, single submitter. Criteria: Invitae Variant Classification Sherloc (09022015). Collection method: clinical testing. Allele origin: germline.
Comment: This sequence change replaces arginine, which is basic and polar, with cysteine, which is neutral and slightly polar, at codon 174 of the BRCA2 protein (p.Arg174Cys). This variant is present in population databases (rs41293469, gnomAD 0.0009%). This missense change has been observed in individual(s) with breast or ovarian cancer (PMID: 21673748, 31907386). ClinVar contains an entry for this variant (Variation ID: 51818). Invitae Evidence Modeling of protein sequence and biophysical properties (such as structural, functional, and spatial information, amino acid conservation, physicochemical variation, residue mobility, and thermodynamic stability) indicates that this missense variant is not expected to disrupt BRCA2 protein function with a negative predictive value of 95%. Studies have shown that this missense change is associated with inconclusive levels of altered splicing (internal data). In summary, the available evidence is currently insufficient to determine the role of this variant in disease. Therefore, it has been classified as a Variant of Uncertain Significance.

Women's Health and Genetics/Laboratory Corporation of America, LabCorp
Classification: Uncertain significance. Last evaluated: 2025-09-15. Review status: criteria provided, single submitter. Criteria: LabCorp Variant Classification Summary - May 2015. Collection method: clinical testing. Allele origin: germline.
Comment: Variant summary: BRCA2 c.520C>T (p.Arg174Cys) results in a non-conservative amino acid change in the encoded protein sequence. Algorithms developed to predict the effect of missense changes on protein structure and function are either unavailable or do not agree on the potential impact of this missense change. Consensus agreement among computation tools predict no significant impact on normal splicing. However, one in silico study predicted splicing effects by using 3 ESR-dedicated approaches (Soukarieh 2016) and in vitro and in vivo studies indicated that this variant induces exon 7 skipping (Thery 2011, Gaildrat 2012, DiGiacomo 2013, Holm_2024). The exact effects of Exon 7 skipping however is unknown. Additionally, when transcribed properly, this variant results in a full length transcript with a missense alteration that could compound the in vivo consequence of this variant. The variant allele was found at a frequency of 4e-06 in 251366 control chromosomes. The available data on variant occurrences in the general population are insufficient to allow any conclusion about variant significance. c.520C>T has been reported in the literature in individuals affected with Hereditary Breast and Ovarian Cancer and Biliary tract cancer (examples, Thery 2011, Gaildrat 2012, Okawa_2023). These report(s) do not provide unequivocal conclusions about association of the variant with Hereditary Breast And Ovarian Cancer Syndrome. The following publications have been ascertained in the context of this evaluation (PMID: 23983145, 22962691, 38324470, 25348012, 30287823, 36243179, 34663891, 26761715, 21673748, 32123317, 23893897, 27300552). ClinVar contains an entry for this variant (Variation ID: 51818). Based on the evidence outlined above, the variant was classified as uncertain significance.

Mendelics
Classification: Uncertain significance for Hereditary cancer. Last evaluated: 2025-02-26. Review status: criteria provided, single submitter. Criteria: ACMG Guidelines, 2015. Collection method: clinical testing. Allele origin: unknown.
Comment: The available evidence is insufficient to conclusively determine the role of this variant. Therefore, it is classified as a Variant of Uncertain Significance.

Ambry Genetics
Classification: Uncertain significance for Hereditary cancer-predisposing syndrome. Last evaluated: 2024-08-21. Review status: criteria provided, single submitter. Criteria: Ambry Variant Classification Scheme 2023. Collection method: clinical testing. Allele origin: germline.
Comment: The p.R174C variant (also known as c.520C>T), located in coding exon 6 of the BRCA2 gene, results from a C to T substitution at nucleotide position 520. The arginine at codon 174 is replaced by cysteine, an amino acid with highly dissimilar properties. Multiple splicing assays have confirmed that the BRCA2 c.520C>T induces incomplete skipping of coding exon 6-also called exon 7 in published literature (Ambry internal data; Di Giacomo D et al, Hum. Mutat. 2013 Nov; 34(11):1547-57; Gaildrat P, et al. J Med Genet. 2012;49:609-617; Th&eacute;ry JC, et al. Eur J Hum Genet. 2011;19:1052-1058). In addition to this exon skipping event being incomplete, the molecular and clinical impact of loss of coding exon 6 is unclear (Mesman RLS et al. Genet. Med., 2020 May). This amino acid position is well conserved in primates, however, lower organisms do not have a reference at this position on multiple sequence alignment. In addition, this alteration is predicted to be tolerated by in silico analysis. Since supporting evidence is limited at this time, the clinical significance of this alteration remains unclear.

German Consortium for Hereditary Breast and Ovarian Cancer, University Hospital Cologne
Classification: Uncertain significance for Hereditary breast ovarian cancer syndrome. Last evaluated: 2024-07-02. Review status: criteria provided, single submitter. Criteria: ClinGen BRCA2 V1.1.0. Collection method: curation. Allele origin: germline.
Comment: Functional data from RNA-Analysis inconclusive; According to the ClinGen ENIGMA BRCA2 v1.1.0 criteria we chose this criterion: PP3 (supporting pathogenic): SpliceAI: 0,274; ClinGen: Apply PP3 for predicted splicing (SpliceAI ≥0.2) for silent, missense/in-frame (irrespective of location in clinically important functional domain) and for intronic variants outside of donor and acceptor 1,2 sites.

All of Us Research Program, National Institutes of Health
Classification: Uncertain significance for Breast-ovarian cancer, familial, susceptibility to, 2. Last evaluated: 2023-11-20. Review status: criteria provided, single submitter. Criteria: ACMG Guidelines, 2015. Collection method: clinical testing. Allele origin: germline. Inheritance: Autosomal dominant inheritance. Observed: 2 variant alleles, 2 heterozygotes.
Comment: This missense variant replaces arginine with cysteine at codon 174 of the BRCA2 protein. Computational prediction suggests that this variant may not impact protein structure and function (internally defined REVEL score threshold <= 0.5, PMID: 27666373). A functional RNA study reported this variant causes partial exon 7 skipping in minigene splicing assay and confirmed in patient RNA (PMID: 21673748). This variant has been reported in an individual affected with early-onset breast cancer and strong family history of disease (PMID: 21673748) and also in two unaffected controls in a breast cancer case-control study (PMID: 30287823). This variant has been identified in 1/251366 chromosomes in the general population by the Genome Aggregation Database (gnomAD). The available evidence is insufficient to determine the role of this variant in disease conclusively. Therefore, this variant is classified as a Variant of Uncertain Significance.

This study involves interpretation of variants in research participants for the purpose of population health screening. Participant phenotype was not available at the time of variant classification. Additional details can be found in publication PMID: 35346344, PMCID: PMC8962531

Baylor Genetics
Classification: Uncertain significance for Familial cancer of breast. Last evaluated: 2023-10-25. Review status: criteria provided, single submitter. Criteria: ACMG Guidelines, 2015. Collection method: clinical testing. Allele origin: unknown.

NM_000059.4(BRCA2):c.520C>T (p.Arg174Cys)

Gene: BRCA2 (BRCA2 DNA repair associated; plus strand). Cytogenetic location: 13q13.1.
Variant type: single nucleotide variant.
Coding change: c.520C>T on transcript NM_000059.4 (MANE Select); coding-DNA position 520, C replaced by T.
Protein change: p.Arg174Cys; replaces arginine 174 with cysteine.
Molecular consequence: missense variant.
Genome position (GRCh38, 1-based): chr13:32,326,502, C>T. VCF-style: chr13-32326502-C-T. GRCh37 (hg19) VCF-style: chr13-32900639-C-T.
Other names: 748C>T; short protein forms R174C.
Identifiers: ClinVar variation 51818 (VCV000051818.37), dbSNP rs41293469, ClinGen allele CA021694.
Genomic context (GRCh38, chr13:32,326,502, plus strand): 5'-ATATCCTTAATGATCAGGGCATTTCTATAAAAAATAAACTATTTTCTTTCCTCCCAGGGT[C>T]GTCAGACACCAAAACATATTTCTGAAAGTCTAGGAGCTGAGGTGGATCCTGATATGTCTT-3'
Protein context (NP_000050.3, residues 164-184): LFHTPKFVKG[Arg174Cys]QTPKHISESL